The following is an entry in ClinVar:

NM_004385.5(VCAN):c.9983G>T (p.Gly3328Val)

Gene: VCAN (versican; plus strand). Cytogenetic location: 5q14.3.
Variant type: single nucleotide variant.
Coding change: c.9983G>T on transcript NM_004385.5 (MANE Select); coding-DNA position 9983, G replaced by T.
Protein change: p.Gly3328Val; replaces glycine 3328 with valine.
Molecular consequence: missense variant.
Genome position (GRCh38, 1-based): chr5:83,580,082, G>T. VCF-style: chr5-83580082-G-T. GRCh37 (hg19) VCF-style: chr5-82875901-G-T.
Other names: c.1760G>T, p.Gly587Val (NM_001126336.3); c.7022G>T, p.Gly2341Val (NM_001164097.2); c.4721G>T, p.Gly1574Val (NM_001164098.2); short protein forms G1574V, G2341V, G3328V, G587V.
Identifiers: ClinVar variation 1464095 (VCV001464095.8), dbSNP rs2112510799, ClinGen allele CA360301176.
Genomic context (GRCh38, chr5:83,580,082, plus strand): 5'-TTGGAAAGATGAAACCTCGTTATGAAATCAACTCCCTGATTAGATACCACTGCAAAGATG[G>T]TTTCATTCAACGTCACCTTCCAACTATCCGGTGCTTAGGAAATGGAAGATGGGCTATACC-3'
Protein context (NP_004376.2, residues 3318-3338): NSLIRYHCKD[Gly3328Val]FIQRHLPTIR

ClinVar aggregate classification (germline): Uncertain significance (1 of 4 stars; one submission).

Submission:

Labcorp Genetics (formerly Invitae), Labcorp
Classification: Uncertain significance. Last evaluated: 2022-06-20. Review status: criteria provided, single submitter. Criteria: Invitae Variant Classification Sherloc (09022015). Collection method: clinical testing. Allele origin: germline.
Comment: In summary, the available evidence is currently insufficient to determine the role of this variant in disease. Therefore, it has been classified as a Variant of Uncertain Significance. This sequence change replaces glycine, which is neutral and non-polar, with valine, which is neutral and non-polar, at codon 3328 of the VCAN protein (p.Gly3328Val). This variant is not present in population databases (gnomAD no frequency). This variant has not been reported in the literature in individuals affected with VCAN-related conditions. Algorithms developed to predict the effect of missense changes on protein structure and function are either unavailable or do not agree on the potential impact of this missense change (SIFT: "Deleterious"; PolyPhen-2: "Probably Damaging"; Align-GVGD: "Class C0").